The following is an entry in ClinVar:

ClinVar aggregate classification (germline): Uncertain significance. Review status: criteria provided, multiple submitters, no conflicts (2 of 4 stars). 2 submissions from 2 submitters: Uncertain significance (2). Last evaluated 2025-09-23.

Allele frequency attached by ClinVar (database versions not stated): TOPMed 0.00001; ExAC 0.00006.
gnomAD v4.1: 24 of 1,547,186 alleles (0.0016%); highest among the groups gnomAD compares: Middle Eastern, 0.044%; no homozygotes.

Submissions (2):

Labcorp Genetics (formerly Invitae), Labcorp
Classification: Uncertain significance. Last evaluated: 2025-09-23. Review status: criteria provided, single submitter. Criteria: Invitae Variant Classification Sherloc (09022015). Collection method: clinical testing. Allele origin: germline.
Comment: This sequence change replaces alanine, which is neutral and non-polar, with valine, which is neutral and non-polar, at codon 279 of the TNFRSF6B protein (p.Ala279Val). The frequency data for this variant in the population databases is considered unreliable, as metrics indicate poor data quality at this position in the gnomAD database. This variant has not been reported in the literature in individuals affected with TNFRSF6B-related conditions. ClinVar contains an entry for this variant (Variation ID: 1979168). An algorithm developed to predict the effect of missense changes on protein structure and function outputs the following: PolyPhen-2: "Possibly Damaging". The valine amino acid residue is found in multiple mammalian species, which suggests that this missense change does not adversely affect protein function. Algorithms developed to predict the effect of sequence changes on RNA splicing suggest that this variant may create or strengthen a splice site. In summary, the available evidence is currently insufficient to determine the role of this variant in disease. Therefore, it has been classified as a Variant of Uncertain Significance.

Ambry Genetics
Classification: Uncertain significance. Last evaluated: 2023-12-27. Review status: criteria provided, single submitter. Criteria: Ambry Variant Classification Scheme 2023. Collection method: clinical testing. Allele origin: germline.

NM_003823.4(TNFRSF6B):c.836C>T (p.Ala279Val)

Genes: RTEL1-TNFRSF6B (RTEL1-TNFRSF6B readthrough (NMD candidate); plus strand), TNFRSF6B (TNF receptor superfamily member 6b; plus strand). Cytogenetic location: 20q13.33.
Variant type: single nucleotide variant.
Coding change: c.836C>T on transcript NM_003823.4 (MANE Select); coding-DNA position 836, C replaced by T.
Protein change: p.Ala279Val; replaces alanine 279 with valine.
Molecular consequence: missense variant. On other transcripts: non-coding transcript variant (1).
Genome position (GRCh38, 1-based): chr20:63,698,496, C>T. VCF-style: chr20-63698496-C-T. GRCh37 (hg19) VCF-style: chr20-62329849-C-T.
Other names: short protein forms A279V.
Identifiers: ClinVar variation 1979168 (VCV001979168.5), dbSNP rs771699576, ClinGen allele CA9966637.
Genomic context (GRCh38, chr20:63,698,496, plus strand): 5'-GGCGGCTCACGGAGCTCCTGGGGGCGCAGGACGGGGCGCTGCTGGTGCGGCTGCTGCAGG[C>T]GCTGCGCGTGGCCAGGATGCCCGGGCTGGAGCGGAGCGTCCGTGAGCGCTTCCTCCCTGT-3'
Protein context (NP_003814.1, residues 269-289): DGALLVRLLQ[Ala279Val]LRVARMPGLE